The following is an entry in ClinVar:

NM_000532.5(PCCB):c.600T>A (p.Cys200Ter)

Gene: PCCB (propionyl-CoA carboxylase subunit beta; plus strand). Cytogenetic location: 3q22.3.
Variant type: single nucleotide variant.
Coding change: c.600T>A on transcript NM_000532.5 (MANE Select); coding-DNA position 600, T replaced by A.
Protein change: p.Cys200Ter; replaces cysteine 200 with a stop codon.
Molecular consequence: nonsense.
Genome position (GRCh38, 1-based): chr3:136,283,893, T>A. VCF-style: chr3-136283893-T-A. GRCh37 (hg19) VCF-style: chr3-136002735-T-A.
Other names: c.660T>A, p.Cys220Ter (NM_001178014.2); short protein forms C200*, C220*.
Identifiers: ClinVar variation 1075304 (VCV001075304.9), dbSNP rs759098964, ClinGen allele CA2631793.

ClinVar aggregate classification (germline): Pathogenic/Likely pathogenic. Review status: criteria provided, multiple submitters, no conflicts (2 of 4 stars). 2 submissions from 2 submitters: Pathogenic (1); Likely pathogenic (1). Last evaluated 2022-11-24.

Conditions:
Propionic acidemia (PROP). Also called: GLYCINEMIA, KETOTIC; HYPERGLYCINEMIA WITH KETOACIDOSIS AND LEUKOPENIA; KETOTIC HYPERGLYCINEMIA. Identifiers: Orphanet 35, MedGen C0268579, MONDO:0011628, OMIM 606054, HP:0003571.

gnomAD v4.1: 1 of 1,613,958 alleles (0.000062%); highest among the groups gnomAD compares: East Asian, 0.0022%; no homozygotes.

Submissions (2):

Labcorp Genetics (formerly Invitae), Labcorp
Classification: Pathogenic for Propionic acidemia. Last evaluated: 2022-11-24. Review status: criteria provided, single submitter. Criteria: Invitae Variant Classification Sherloc (09022015). Collection method: clinical testing. Allele origin: germline.
Comment: For these reasons, this variant has been classified as Pathogenic. ClinVar contains an entry for this variant (Variation ID: 1075304). This variant has not been reported in the literature in individuals affected with PCCB-related conditions. This variant is present in population databases (rs759098964, gnomAD 0.006%). This sequence change creates a premature translational stop signal (p.Cys200*) in the PCCB gene. It is expected to result in an absent or disrupted protein product. Loss-of-function variants in PCCB are known to be pathogenic (PMID: 15464417).

Juno Genomics, Hangzhou Juno Genomics, Inc
Classification: Likely pathogenic for Propionic acidemia. Review status: criteria provided, single submitter. Criteria: ACMG Guidelines, 2015. Collection method: clinical testing. Allele origin: germline.
Comment: Null variant in a gene where loss of function (LOF) is a known mechanism of disease.;Absent from controls (or at extremely low frequency if recessive) in Genome Aggregation Database.

Literature cited by the submitters: PubMed 15464417 (cited by Labcorp Genetics (formerly Invitae), Labcorp).